The following is an entry in ClinVar:

NM_001814.6(CTSC):c.140G>T (p.Gly47Val)

Genes: CTSC (cathepsin C; minus strand), LOC130006572 (ATAC-STARR-seq lymphoblastoid active region 5382; plus strand). Cytogenetic location: 11q14.2.
Variant type: single nucleotide variant.
Coding change: c.140G>T on transcript NM_001814.6 (MANE Select); coding-DNA position 140, G replaced by T.
Protein change: p.Gly47Val; replaces glycine 47 with valine.
Molecular consequence: missense variant.
Genome position (GRCh38, 1-based): chr11:88,337,533, C>A on the plus strand (G>T on the coding strand, the complement: CTSC is on the minus strand). VCF-style: chr11-88337533-C-A. GRCh37 (hg19) VCF-style: chr11-88070701-C-A.
Other names: c.140G>T (NM_001814.4); c.140G>T, p.Gly47Val (NM_001114173.3, NM_148170.5); short protein forms G47V.
Identifiers: ClinVar variation 1506896 (VCV001506896.5), dbSNP rs569549142, ClinGen allele CA6220137.

ClinVar aggregate classification (germline): Uncertain significance. Review status: criteria provided, multiple submitters, no conflicts (2 of 4 stars). 2 submissions from 2 submitters: Uncertain significance (2). Last evaluated 2025-09-11.

Conditions:
Periodontitis, aggressive. Identifiers: MedGen C0031106, MONDO:0980757.
Papillon-Lefèvre syndrome (PALS). Also called: KERATOSIS PALMOPLANTARIS WITH PERIODONTOPATHIA; Papillon-Lefevre Disease. Identifiers: Orphanet 678, MedGen C0030360, MONDO:0009490, OMIM 245000.
Haim-Munk syndrome (HMS). Also called: COCHIN JEWISH DISORDER; KERATOSIS PALMOPLANTARIS WITH PERIODONTOPATHIA AND ONYCHOGRYPOSIS. Identifiers: Orphanet 2342, MedGen C1855627, MONDO:0009491, OMIM 245010.
Inborn genetic diseases. Identifiers: MedGen C0950123, MeSH D030342.

Allele frequency attached by ClinVar (database versions not stated): ExAC 0.00040; TOPMed 0.00001; gnomAD 0.00005; 1000 Genomes Project 0.00020; 1000 Genomes Project 30x 0.00031.
gnomAD v4.1: 71 of 1,576,106 alleles (0.0045%); highest among the groups gnomAD compares: South Asian, 0.075%; no homozygotes.

Submissions (2):

Ambry Genetics
Classification: Uncertain significance for Inborn genetic diseases. Last evaluated: 2025-09-11. Review status: criteria provided, single submitter. Criteria: Ambry Variant Classification Scheme 2023. Collection method: clinical testing. Allele origin: germline.

Labcorp Genetics (formerly Invitae), Labcorp
Classification: Uncertain significance for Haim-Munk syndrome; Periodontitis, aggressive; Papillon-Lefèvre syndrome. Last evaluated: 2022-08-16. Review status: criteria provided, single submitter. Criteria: Invitae Variant Classification Sherloc (09022015). Collection method: clinical testing. Allele origin: germline.
Comment: This sequence change replaces glycine with valine at codon 47 of the CTSC protein (p.Gly47Val). The glycine residue is moderately conserved and there is a moderate physicochemical difference between glycine and valine. This variant is present in population databases (rs569549142, gnomAD 0.08%). This variant has not been reported in the literature in individuals affected with CTSC-related conditions. ClinVar contains an entry for this variant (Variation ID: 1506896). Algorithms developed to predict the effect of missense changes on protein structure and function are either unavailable or do not agree on the potential impact of this missense change (SIFT: "Not Available"; PolyPhen-2: "Benign"; Align-GVGD: "Not Available"). In summary, the available evidence is currently insufficient to determine the role of this variant in disease. Therefore, it has been classified as a Variant of Uncertain Significance.